The following is an entry in ClinVar:

ClinVar aggregate classification (germline): Uncertain significance (1 of 4 stars; one submission).

Conditions:
Multiple acyl-CoA dehydrogenase deficiency (MADD). Also called: Glutaric acidemia type II; GA 2; Glutaric Acidemia type 2; ETHYLMALONIC-ADIPICACIDURIA; GA II; Glutaric aciduria, type 2. Identifiers: Orphanet 26791, MedGen C0268596, MONDO:0009282, OMIM 231680.

Allele frequency attached by ClinVar (database versions not stated): gnomAD exomes below 0.00001; gnomAD 0.00001.
gnomAD v4.1: 1 of 1,613,306 alleles (0.000062%); highest among the groups gnomAD compares: South Asian, 0.0011%; no homozygotes.

Submission:

Labcorp Genetics (formerly Invitae), Labcorp
Classification: Uncertain significance for Multiple acyl-CoA dehydrogenase deficiency. Last evaluated: 2018-11-30. Review status: criteria provided, single submitter. Criteria: Invitae Variant Classification Sherloc (09022015). Collection method: clinical testing. Allele origin: germline.
Comment: In summary, the available evidence is currently insufficient to determine the role of this variant in disease. Therefore, it has been classified as a Variant of Uncertain Significance. Algorithms developed to predict the effect of missense changes on protein structure and function (SIFT, PolyPhen-2, Align-GVGD) all suggest that this variant is likely to be disruptive, but these predictions have not been confirmed by published functional studies and their clinical significance is uncertain. This variant has been observed in an individual affected with glutaric aciduria type 2, however a second variant was not identified (PMID: 18289905). This variant is not present in population databases (ExAC no frequency). This sequence change replaces phenylalanine with valine at codon 308 of the ETFDH protein (p.Phe308Val). The phenylalanine residue is highly conserved and there is a small physicochemical difference between phenylalanine and valine.

Literature cited by the submitters: PubMed 18289905.

NM_004453.4(ETFDH):c.922T>G (p.Phe308Val)

Gene: ETFDH (electron transfer flavoprotein dehydrogenase; plus strand). Cytogenetic location: 4q32.1.
Variant type: single nucleotide variant.
Coding change: c.922T>G on transcript NM_004453.4 (MANE Select); coding-DNA position 922, T replaced by G.
Protein change: p.Phe308Val; replaces phenylalanine 308 with valine.
Molecular consequence: missense variant.
Genome position (GRCh38, 1-based): chr4:158,697,649, T>G. VCF-style: chr4-158697649-T-G. GRCh37 (hg19) VCF-style: chr4-159618801-T-G.
Other names: c.781T>G, p.Phe261Val (NM_001281737.2); c.739T>G, p.Phe247Val (NM_001281738.1); short protein forms F261V, F308V, F247V.
Identifiers: ClinVar variation 659217 (VCV000659217.9), dbSNP rs1218671512, ClinGen allele CA358561572.